The following is an entry in ClinVar:

NM_000170.3(GLDC):c.2983G>T (p.Asp995Tyr)

Gene: GLDC (glycine decarboxylase; minus strand). Cytogenetic location: 9p24.1.
Variant type: single nucleotide variant.
Coding change: c.2983G>T on transcript NM_000170.3 (MANE Select); coding-DNA position 2983, G replaced by T.
Protein change: p.Asp995Tyr; replaces aspartic acid 995 with tyrosine.
Molecular consequence: missense variant.
Genome position (GRCh38, 1-based): chr9:6,533,097, C>A on the plus strand (G>T on the coding strand, the complement: GLDC is on the minus strand). VCF-style: chr9-6533097-C-A. GRCh37 (hg19) VCF-style: chr9-6533097-C-A.
Other names: short protein forms D995Y.
Identifiers: ClinVar variation 655725 (VCV000655725.9), dbSNP rs1554641505, ClinGen allele CA372881655.

ClinVar aggregate classification (germline): Uncertain significance (1 of 4 stars; one submission).

Conditions:
Glycine encephalopathy. Also called: Non-ketotic hyperglycinemia; Nonketotic hyperglycinemia. Identifiers: Orphanet 407, MedGen C0751748, MONDO:0011612, HP:0008288.

Submission:

Labcorp Genetics (formerly Invitae), Labcorp
Classification: Uncertain significance for Glycine encephalopathy. Last evaluated: 2018-11-13. Review status: criteria provided, single submitter. Criteria: Invitae Variant Classification Sherloc (09022015). Collection method: clinical testing. Allele origin: germline.
Comment: This variant is not present in population databases (ExAC no frequency). In summary, the available evidence is currently insufficient to determine the role of this variant in disease. Therefore, it has been classified as a Variant of Uncertain Significance. Algorithms developed to predict the effect of missense changes on protein structure and function are either unavailable or do not agree on the potential impact of this missense change (SIFT: "Deleterious"; PolyPhen-2: "Probably Damaging"; Align-GVGD: "Class C15"). This variant has not been reported in the literature in individuals with GLDC-related disease. This sequence change replaces aspartic acid with tyrosine at codon 995 of the GLDC protein (p.Asp995Tyr). The aspartic acid residue is highly conserved and there is a large physicochemical difference between aspartic acid and tyrosine.